The following is an entry in ClinVar:

ClinVar aggregate classification (germline): Likely pathogenic. Review status: criteria provided, multiple submitters, no conflicts (2 of 4 stars). 2 submissions from 2 submitters: Likely pathogenic (2). Last evaluated 2022-11-01.

Conditions:
Short-rib thoracic dysplasia 7 with or without polydactyly (SRTD7). Also called: Short rib polydactyly syndrome 5; SHORT-RIB THORACIC DYSPLASIA 7 WITH POLYDACTYLY. Identifiers: Orphanet 498497, Orphanet 93271, MedGen C3279792, MONDO:0013569, OMIM 614091.
Cranioectodermal dysplasia 2 (CED2). Identifiers: Orphanet 1515, MedGen C3150874, MONDO:0013323, OMIM 613610.
WDR35-related disorder. Also called: WDR35-related disorders; WDR35-related condition. Identifiers: MedGen CN239419.

Allele frequency attached by ClinVar (database versions not stated): TOPMed 0.00001; gnomAD exomes below 0.00001; gnomAD 0.00001.
gnomAD v4.1: 4 of 1,613,856 alleles (0.00025%); highest among the groups gnomAD compares: African/African-American, 0.0027%; no homozygotes.

Submissions (2):

Women's Health and Genetics/Laboratory Corporation of America, LabCorp
Classification: Likely pathogenic for WDR35-related disorder. Last evaluated: 2022-11-01. Review status: criteria provided, single submitter. Criteria: LabCorp Variant Classification Summary - May 2015. Collection method: clinical testing. Allele origin: germline.
Comment: Variant summary: WDR35 c.437-1G>A is located in a canonical splice-site and is predicted to affect mRNA splicing resulting in a significantly altered protein due to either exon skipping, shortening, or inclusion of intronic material. Several computational tools predict a significant impact on normal splicing: Four predict the variant abolishes a 3 prime acceptor site. Three predict the variant creates a 3 prime acceptor site. However, these predictions have yet to be confirmed by functional studies. The variant was absent in 251328 control chromosomes. To our knowledge, no occurrence of c.437-1G>A in individuals affected with WDR35-Related Disorders and no experimental evidence demonstrating its impact on protein function have been reported. No clinical diagnostic laboratories have submitted clinical-significance assessments for this variant to ClinVar after 2014. Based on the evidence outlined above, the variant was classified as likely pathogenic.

Juno Genomics, Hangzhou Juno Genomics, Inc
Classification: Likely pathogenic for Cranioectodermal dysplasia 2; Short-rib thoracic dysplasia 7 with or without polydactyly. Review status: criteria provided, single submitter. Criteria: ACMG Guidelines, 2015. Collection method: clinical testing. Allele origin: germline.
Comment: Absent from controls (or at extremely low frequency if recessive) in Genome Aggregation Database.;Null variant in a gene where loss of function (LOF) is a known mechanism of disease.

NM_020779.4(WDR35):c.437-1G>A

Gene: WDR35 (WD repeat domain 35; minus strand). Cytogenetic location: 2p24.1.
Variant type: single nucleotide variant.
Coding change: c.437-1G>A on transcript NM_020779.4 (MANE Select); the canonical splice acceptor site of the intron before coding-DNA position 437, G replaced by A.
Molecular consequence: splice acceptor variant.
Genome position (GRCh38, 1-based): chr2:19,975,664, C>T on the plus strand (G>A on the coding strand, the complement: WDR35 is on the minus strand). VCF-style: chr2-19975664-C-T. GRCh37 (hg19) VCF-style: chr2-20175425-C-T.
Other names: c.437-1G>A (NM_001006657.2).
Identifiers: ClinVar variation 1804700 (VCV001804700.4), dbSNP rs1276298140, ClinGen allele CA345947739.
Genomic context (GRCh38, chr2:19,975,664, plus strand): 5'-CAGACCATGTTACATGGGATAGCTGTATACCCTTCAGGTCTTTTCCCCAAATACGATTGC[C>T]TAAAACAAAACATTATTAAAAGTTGTTCAAGGTCATGATCCTCCAACAACGGCTTTCGAA-3'